The following is an entry in ClinVar:

NM_173628.4(DNAH17):c.10735-5T>G

Gene: DNAH17 (dynein axonemal heavy chain 17; minus strand). Cytogenetic location: 17q25.3.
Variant type: single nucleotide variant.
Coding change: c.10735-5T>G on transcript NM_173628.4 (MANE Select); 5 bases into the intron before coding-DNA position 10735, T replaced by G.
Molecular consequence: intron variant.
Genome position (GRCh38, 1-based): chr17:78,450,851, A>C on the plus strand (T>G on the coding strand, the complement: DNAH17 is on the minus strand). VCF-style: chr17-78450851-A-C. GRCh37 (hg19) VCF-style: chr17-76446933-A-C.
Identifiers: ClinVar variation 3051243 (VCV003051243.2), dbSNP rs551474231, ClinGen allele CA8800722.

ClinVar aggregate classification (germline): Likely benign (0 of 4 stars; one submission).

Conditions:
DNAH17-related disorder. Also called: DNAH17-related condition.

Allele frequency attached by ClinVar (database versions not stated): 1000 Genomes Project 30x 0.00047; 1000 Genomes Project 0.00060; TOPMed 0.00004; gnomAD 0.00011; gnomAD exomes 0.00023; ExAC 0.00043.
gnomAD v4.1: 358 of 1,613,808 alleles (0.022%); highest among the groups gnomAD compares: South Asian, 0.32%; 5 homozygotes.

Submission:

PreventionGenetics, part of Exact Sciences
Classification: Likely benign for DNAH17-related condition. Last evaluated: 2020-02-04. Review status: no assertion criteria provided. Collection method: clinical testing. Allele origin: germline.
Comment: This variant is classified as likely benign based on ACMG/AMP sequence variant interpretation guidelines (Richards et al. 2015 PMID: 25741868, with internal and published modifications).